The following is an entry in ClinVar:

NM_003036.4(SKI):c.968G>A (p.Arg323Gln)

Gene: SKI (SKI proto-oncogene; plus strand). Cytogenetic location: 1p36.33.
Variant type: single nucleotide variant.
Coding change: c.968G>A on transcript NM_003036.4 (MANE Select); coding-DNA position 968, G replaced by A.
Protein change: p.Arg323Gln; replaces arginine 323 with glutamine.
Molecular consequence: missense variant.
Genome position (GRCh38, 1-based): chr1:2,229,734, G>A. VCF-style: chr1-2229734-G-A. GRCh37 (hg19) VCF-style: chr1-2161173-G-A.
Other names: short protein forms R323Q.
Identifiers: ClinVar variation 3442281 (VCV003442281.1).

ClinVar aggregate classification (germline): Uncertain significance (1 of 4 stars; one submission).

Conditions:
Familial thoracic aortic aneurysm and aortic dissection (TAAD). Also called: Thoracic aortic aneurysms and dissections. Identifiers: Orphanet 91387, MedGen C4707243, MONDO:0019625.

Submission:

Ambry Genetics
Classification: Uncertain significance for Familial thoracic aortic aneurysm and aortic dissection. Last evaluated: 2024-08-19. Review status: criteria provided, single submitter. Criteria: Ambry Variant Classification Scheme 2023. Collection method: clinical testing. Allele origin: germline.
Comment: The p.R323Q variant (also known as c.968G>A), located in coding exon 1 of the SKI gene, results from a G to A substitution at nucleotide position 968. The arginine at codon 323 is replaced by glutamine, an amino acid with highly similar properties. This amino acid position is conserved. In addition, the in silico prediction for this alteration is inconclusive. Based on the available evidence, the clinical significance of this variant remains unclear.